The following is an entry in ClinVar:

NM_001013703.4(EIF2AK4):c.1883G>A (p.Arg628Gln)

Gene: EIF2AK4 (eukaryotic translation initiation factor 2 alpha kinase 4; plus strand). Cytogenetic location: 15q15.1.
Variant type: single nucleotide variant.
Coding change: c.1883G>A on transcript NM_001013703.4 (MANE Select); coding-DNA position 1883, G replaced by A.
Protein change: p.Arg628Gln; replaces arginine 628 with glutamine.
Molecular consequence: missense variant.
Genome position (GRCh38, 1-based): chr15:39,976,478, G>A. VCF-style: chr15-39976478-G-A. GRCh37 (hg19) VCF-style: chr15-40268679-G-A.
Other names: short protein forms R628Q.
Identifiers: ClinVar variation 3393687 (VCV003393687.2).

ClinVar aggregate classification (germline): Uncertain significance (1 of 4 stars; one submission).

Submission:

GeneDx
Classification: Uncertain significance. Last evaluated: 2026-08-22. Review status: criteria provided, single submitter. Criteria: GeneDx Variant Classification Process June 2021. Collection method: clinical testing. Allele origin: germline.
Comment: Not observed at significant frequency in large population cohorts (gnomAD); In silico analysis suggests that this missense variant does not alter protein structure/function; Has not been previously published as pathogenic or benign to our knowledge